The following is an entry in ClinVar:

NM_020831.6(MRTFA):c.2068C>T (p.Pro690Ser)

Gene: MRTFA (myocardin related transcription factor A; minus strand). Cytogenetic location: 22q13.1.
Variant type: single nucleotide variant.
Coding change: c.2068C>T on transcript NM_020831.6 (MANE Select); coding-DNA position 2068, C replaced by T.
Protein change: p.Pro690Ser; replaces proline 690 with serine.
Molecular consequence: missense variant.
Genome position (GRCh38, 1-based): chr22:40,418,670, G>A on the plus strand (C>T on the coding strand, the complement: MRTFA is on the minus strand). VCF-style: chr22-40418670-G-A. GRCh37 (hg19) VCF-style: chr22-40814674-G-A.
Other names: c.1768C>T, p.Pro590Ser (NM_001282660.2); c.1918C>T, p.Pro640Ser (NM_001282661.3); c.2068C>T, p.Pro690Ser (NM_001282662.3); c.1873C>T, p.Pro625Ser (NM_001318139.2); short protein forms P590S, P625S, P640S, P690S.
Identifiers: ClinVar variation 1682997 (VCV001682997.7), dbSNP rs112458227, ClinGen allele CA10249458.

ClinVar aggregate classification (germline): Conflicting classifications of pathogenicity. Review status: criteria provided, conflicting classifications (1 of 4 stars). 2 submissions from 2 submitters: Uncertain significance (1); Likely benign (1). Last evaluated 2025-09-03.

Allele frequency attached by ClinVar (database versions not stated): gnomAD exomes 0.00005; ExAC 0.00010; 1000 Genomes Project 30x 0.00031; 1000 Genomes Project 0.00040.
gnomAD v4.1: 27 of 1,524,246 alleles (0.0018%); highest among the groups gnomAD compares: African/African-American, 0.032%; no homozygotes.

Submissions (2):

Labcorp Genetics (formerly Invitae), Labcorp
Classification: Uncertain significance. Last evaluated: 2025-09-03. Review status: criteria provided, single submitter. Criteria: Invitae Variant Classification Sherloc (09022015). Collection method: clinical testing. Allele origin: germline.
Comment: This sequence change replaces proline, which is neutral and non-polar, with serine, which is neutral and polar, at codon 590 of the MKL1 protein (p.Pro590Ser). The frequency data for this variant in the population databases is considered unreliable, as metrics indicate poor data quality at this position in the gnomAD database. This variant has not been reported in the literature in individuals affected with MKL1-related conditions. ClinVar contains an entry for this variant (Variation ID: 1682997). An algorithm developed to predict the effect of missense changes on protein structure and function outputs the following: PolyPhen-2: "Benign". The serine amino acid residue is found in multiple mammalian species, which suggests that this missense change does not adversely affect protein function. In summary, the available evidence is currently insufficient to determine the role of this variant in disease. Therefore, it has been classified as a Variant of Uncertain Significance.

Blueprint Genetics
Classification: Likely benign. Last evaluated: 2024-03-05. Review status: criteria provided, single submitter. Criteria: ACMG Guidelines, 2015. Collection method: clinical testing. Allele origin: germline.